The following is an entry in ClinVar:

NM_000520.6(HEXA):c.460-19C>T

Gene: HEXA (hexosaminidase subunit alpha; minus strand). Cytogenetic location: 15q23.
Variant type: single nucleotide variant.
Coding change: c.460-19C>T on transcript NM_000520.6 (MANE Select); 19 bases into the intron before coding-DNA position 460, C replaced by T.
Molecular consequence: intron variant.
Genome position (GRCh38, 1-based): chr15:72,353,197, G>A on the plus strand (C>T on the coding strand, the complement: HEXA is on the minus strand). VCF-style: chr15-72353197-G-A. GRCh37 (hg19) VCF-style: chr15-72645538-G-A.
Other names: c.493-19C>T (NM_001318825.2).
Identifiers: ClinVar variation 931862 (VCV000931862.6), dbSNP rs1680245631, ClinGen allele CA1139664065.

ClinVar aggregate classification (germline): Conflicting classifications of pathogenicity. Review status: criteria provided, conflicting classifications (1 of 4 stars). 2 submissions from 2 submitters: Uncertain significance (1); Likely benign (1). Last evaluated 2025-11-10.

Conditions:
Tay-Sachs disease (TSD). Also called: HEXA DEFICIENCY; GM2 gangliosidosis, type 1; Hexosaminidase alpha-subunit deficiency (variant B); Sphingolipidosis, Tay-Sachs; HEXA Disorders; Hexosaminidase A Deficiency. Identifiers: Orphanet 845, MedGen C0039373, MONDO:0010100, OMIM 272800.

Submissions (2):

Labcorp Genetics (formerly Invitae), Labcorp
Classification: Likely benign for Tay-Sachs disease. Last evaluated: 2025-11-10. Review status: criteria provided, single submitter. Criteria: Invitae Variant Classification Sherloc (09022015). Collection method: clinical testing. Allele origin: germline.

Centre for Mendelian Genomics, University Medical Centre Ljubljana
Classification: Uncertain significance for Tay-Sachs disease. Last evaluated: 2018-11-16. Review status: criteria provided, single submitter. Criteria: ACMG Guidelines, 2015. Collection method: clinical testing. Allele origin: unknown. Affected: yes.
Comment: This variant was classified as: Uncertain significance. The available evidence on this variant's pathogenicity is insufficient or conflicting. The following ACMG criteria were applied in classifying this variant: PM2.